The following is an entry in ClinVar:

NM_001258392.3(CLPB):c.1066+13_1066+14insTGCT

Gene: CLPB (ClpB family mitochondrial disaggregase; minus strand). Cytogenetic location: 11q13.4.
Variant type: Insertion.
Coding change: c.1066+13_1066+14insTGCT on transcript NM_001258392.3 (MANE Select); bases 13 to 14 of the intron after coding-DNA position 1066, TGCT inserted.
Molecular consequence: intron variant.
Genome position: GRCh38 VCF-style: chr11-72308513-C-CAGCA. GRCh37 (hg19) VCF-style: chr11-72019557-C-CAGCA.
Other names: c.979+13_979+14insTGCT (NM_001258393.3); c.1156+13_1156+14insTGCT (NM_030813.6); c.1021+13_1021+14insTGCT (NM_001258394.3).
Identifiers: ClinVar variation 513612 (VCV000513612.1), dbSNP rs1555087616, ClinGen allele CA658797709.

ClinVar aggregate classification (germline): Likely benign (1 of 4 stars; one submission).

Allele frequency attached by ClinVar (database versions not stated): gnomAD exomes below 0.00001.

Submission:

GeneDx
Classification: Likely benign. Last evaluated: 2017-12-15. Review status: criteria provided, single submitter. Criteria: GeneDx Variant Classification (06012015). Collection method: clinical testing. Allele origin: germline. Affected: yes.
Comment: This variant is considered likely benign or benign based on one or more of the following criteria: it is a conservative change, it occurs at a poorly conserved position in the protein, it is predicted to be benign by multiple in silico algorithms, and/or has population frequency not consistent with disease.